The following is an entry in ClinVar:

ClinVar aggregate classification (germline): Uncertain significance (1 of 4 stars; one submission).

Conditions:
Catecholaminergic polymorphic ventricular tachycardia 1. Also called: VENTRICULAR TACHYCARDIA, CATECHOLAMINERGIC POLYMORPHIC, 1, WITH OR WITHOUT ATRIAL DYSFUNCTION AND/OR DILATED CARDIOMYOPATHY; RYR2-Related Catecholaminergic Polymorphic Ventricular Tachycardia; VENTRICULAR TACHYCARDIA, STRESS-INDUCED POLYMORPHIC 1. Identifiers: Orphanet 3286, MedGen C1631597, MONDO:0011484, OMIM 604772.

Allele frequency attached by ClinVar (database versions not stated): TOPMed 0.00001.
gnomAD v4.1: 1 of 1,603,246 alleles (0.000062%); highest among the groups gnomAD compares: East Asian, 0.0022%; no homozygotes.

Submission:

Labcorp Genetics (formerly Invitae), Labcorp
Classification: Uncertain significance for Catecholaminergic polymorphic ventricular tachycardia 1. Last evaluated: 2024-09-09. Review status: criteria provided, single submitter. Criteria: Invitae Variant Classification Sherloc (09022015). Collection method: clinical testing. Allele origin: germline.
Comment: This sequence change replaces arginine, which is basic and polar, with serine, which is neutral and polar, at codon 801 of the RYR2 protein (p.Arg801Ser). This variant is not present in population databases (gnomAD no frequency). This variant has not been reported in the literature in individuals affected with RYR2-related conditions. ClinVar contains an entry for this variant (Variation ID: 964289). Invitae Evidence Modeling of protein sequence and biophysical properties (such as structural, functional, and spatial information, amino acid conservation, physicochemical variation, residue mobility, and thermodynamic stability) indicates that this missense variant is not expected to disrupt RYR2 protein function with a negative predictive value of 95%. In summary, the available evidence is currently insufficient to determine the role of this variant in disease. Therefore, it has been classified as a Variant of Uncertain Significance.

NM_001035.3(RYR2):c.2401C>A (p.Arg801Ser)

Gene: RYR2 (ryanodine receptor 2; plus strand). Cytogenetic location: 1q43.
Variant type: single nucleotide variant.
Coding change: c.2401C>A on transcript NM_001035.3 (MANE Select); coding-DNA position 2401, C replaced by A.
Protein change: p.Arg801Ser; replaces arginine 801 with serine.
Molecular consequence: missense variant.
Genome position (GRCh38, 1-based): chr1:237,503,293, C>A. VCF-style: chr1-237503293-C-A. GRCh37 (hg19) VCF-style: chr1-237666593-C-A.
Other names: short protein forms R801S.
Identifiers: ClinVar variation 964289 (VCV000964289.11), dbSNP rs940667860, ClinGen allele CA069776.